The following is an entry in ClinVar:

NM_000492.4(CFTR):c.2665C>T (p.Leu889Phe)

Gene: CFTR (CF transmembrane conductance regulator; plus strand). Cytogenetic location: 7q31.2.
Variant type: single nucleotide variant.
Coding change: c.2665C>T on transcript NM_000492.4 (MANE Select); coding-DNA position 2665, C replaced by T.
Protein change: p.Leu889Phe; replaces leucine 889 with phenylalanine.
Molecular consequence: missense variant.
Genome position (GRCh38, 1-based): chr7:117,603,539, C>T. VCF-style: chr7-117603539-C-T. GRCh37 (hg19) VCF-style: chr7-117243593-C-T.
Other names: short protein forms L889F.
Identifiers: ClinVar variation 597851 (VCV000597851.11), dbSNP rs61738523, ClinGen allele CA4451269.

ClinVar aggregate classification (germline): Conflicting classifications of pathogenicity. Review status: criteria provided, conflicting classifications (1 of 4 stars). 4 submissions from 4 submitters: Uncertain significance (3); Likely benign (1). Last evaluated 2025-12-28.

Conditions:
Cystic fibrosis (CF). Also called: MUCOVISCIDOSIS. Identifiers: Orphanet 586, MedGen C0010674, MONDO:0009061, OMIM 219700. Disease mechanism: loss of function.

Allele frequency attached by ClinVar (database versions not stated): ExAC 0.00003; gnomAD 0.00013 and 0.00015; ESP Exome Variant Server 0.00015; TOPMed 0.00018.
gnomAD v4.1: 41 of 1,613,806 alleles (0.0025%); highest among the groups gnomAD compares: African/African-American, 0.047%; no homozygotes.

Submissions (4):

Labcorp Genetics (formerly Invitae), Labcorp
Classification: Uncertain significance for Cystic fibrosis. Last evaluated: 2025-12-28. Review status: criteria provided, single submitter. Criteria: Invitae Variant Classification Sherloc (09022015). Collection method: clinical testing. Allele origin: germline.
Comment: This sequence change replaces leucine, which is neutral and non-polar, with phenylalanine, which is neutral and non-polar, at codon 889 of the CFTR protein (p.Leu889Phe). This variant is present in population databases (rs61738523, gnomAD 0.05%). This variant has not been reported in the literature in individuals affected with CFTR-related conditions. ClinVar contains an entry for this variant (Variation ID: 597851). Invitae Evidence Modeling of protein sequence and biophysical properties (such as structural, functional, and spatial information, amino acid conservation, physicochemical variation, residue mobility, and thermodynamic stability) indicates that this missense variant is not expected to disrupt CFTR protein function with a negative predictive value of 80%. In summary, the available evidence is currently insufficient to determine the role of this variant in disease. Therefore, it has been classified as a Variant of Uncertain Significance.

Ambry Genetics
Classification: Uncertain significance for Cystic fibrosis. Last evaluated: 2023-05-02. Review status: criteria provided, single submitter. Criteria: Ambry Variant Classification Scheme 2023. Collection method: clinical testing. Allele origin: germline.
Comment: The p.L889F variant (also known as c.2665C>T), located in coding exon 17 of the CFTR gene, results from a C to T substitution at nucleotide position 2665. The leucine at codon 889 is replaced by phenylalanine, an amino acid with highly similar properties. This amino acid position is poorly conserved in available vertebrate species. In addition, this alteration is predicted to be tolerated by in silico analysis. Since supporting evidence is limited at this time, the clinical significance of this alteration remains unclear.

Blueprint Genetics
Classification: Likely benign. Last evaluated: 2022-07-07. Review status: criteria provided, single submitter. Criteria: ACMG Guidelines, 2015. Collection method: clinical testing. Allele origin: germline.

Eurofins Ntd Llc (ga)
Classification: Uncertain significance. Last evaluated: 2018-06-27. Review status: criteria provided, single submitter. Criteria: EGL ClinVar v180209 classification definitions. Collection method: clinical testing. Allele origin: germline. Observed: 1 variant allele, 1 heterozygote.